The following is an entry in ClinVar:

NM_000038.6(APC):c.3946del (p.Ala1316fs)

Gene: APC (APC regulator of Wnt signaling pathway; plus strand). Cytogenetic location: 5q22.2.
Variant type: Deletion.
Coding change: c.3946del on transcript NM_000038.6 (MANE Select); coding-DNA position 3946, one base deleted (G; older notation c.3946delG).
Protein change: p.Ala1316fs; shifts the reading frame from alanine 1316.
Molecular consequence: frameshift variant. On other transcripts: non-coding transcript variant (2).
Genome position (GRCh38, 1-based): chr5:112,839,540, G deleted. VCF-style (leftmost placement, unchanged base first): chr5-112839539-AG-A. GRCh37 (hg19) VCF-style: chr5-112175236-AG-A.
Other names: c.4000del, p.Ala1334fs (NM_001354896.2, NM_001407447.1, NM_001407448.1 and 1 more transcripts); c.3946del, p.Ala1316fs (NM_001354895.2, NM_001127510.3, NM_001407450.1); c.3892del, p.Ala1298fs (NM_001127511.3); c.3976del, p.Ala1326fs (NM_001354897.2); c.3871del, p.Ala1291fs (NM_001354898.2); c.3862del, p.Ala1288fs (NM_001354899.2); c.3823del, p.Ala1275fs (NM_001354900.2); c.3769del, p.Ala1257fs (NM_001354901.2, NM_001407453.1); and 11 more; short protein forms A1033fs, A1156fs, A1187fs, A1190fs, A1215fs, A1225fs, A1233fs, A1257fs.
Identifiers: ClinVar variation 2583380 (VCV002583380.1), dbSNP rs2533536554, ClinGen allele CA2582341544.

ClinVar aggregate classification (germline): Pathogenic (1 of 4 stars; one submission).

Conditions:
Familial adenomatous polyposis 1 (FAP1). Also called: POLYPOSIS, ADENOMATOUS INTESTINAL; FAMILIAL ADENOMATOUS POLYPOSIS 1, ATTENUATED. Identifiers: MedGen C2713442, MONDO:0021056, OMIM 175100. Disease mechanism: loss of function.

Submission:

Myriad Genetics, Inc.
Classification: Pathogenic for Familial adenomatous polyposis 1. Last evaluated: 2023-05-09. Review status: criteria provided, single submitter. Criteria: Myriad Autosomal Dominant, Autosomal Recessive and X-Linked Classification Criteria (2023). Collection method: clinical testing. Allele origin: unknown.
Comment: This variant is considered pathogenic. This variant creates a frameshift predicted to result in premature protein truncation.